The following is an entry in ClinVar:

ClinVar aggregate classification (germline): Uncertain significance (1 of 4 stars; one submission).

Conditions:
Hereditary cancer-predisposing syndrome. Also called: Tumor predisposition; Hereditary neoplastic syndrome; Neoplastic Syndromes, Hereditary; Hereditary Cancer Syndrome. Identifiers: Orphanet 140162, MedGen C0027672, MeSH D009386, MONDO:0015356.

Submission:

Ambry Genetics
Classification: Uncertain significance for Hereditary cancer-predisposing syndrome. Last evaluated: 2019-01-21. Review status: criteria provided, single submitter. Criteria: Ambry Variant Classification Scheme 2023. Collection method: clinical testing. Allele origin: germline.
Comment: The p.E379K variant (also known as c.1135G>A), located in coding exon 10 of the NBN gene, results from a G to A substitution at nucleotide position 1135. The glutamic acid at codon 379 is replaced by lysine, an amino acid with similar properties. This amino acid position is highly conserved in available vertebrate species. In addition, this alteration is predicted to be tolerated by in silico analysis. Since supporting evidence is limited at this time, the clinical significance of this alteration remains unclear.

NM_002485.5(NBN):c.1135G>A (p.Glu379Lys)

Gene: NBN (nibrin; minus strand). Cytogenetic location: 8q21.3.
Variant type: single nucleotide variant.
Coding change: c.1135G>A on transcript NM_002485.5 (MANE Select); coding-DNA position 1135, G replaced by A.
Protein change: p.Glu379Lys; replaces glutamic acid 379 with lysine.
Molecular consequence: missense variant.
Genome position (GRCh38, 1-based): chr8:89,955,545, C>T on the plus strand (G>A on the coding strand, the complement: NBN is on the minus strand). VCF-style: chr8-89955545-C-T. GRCh37 (hg19) VCF-style: chr8-90967773-C-T.
Other names: c.889G>A, p.Glu297Lys (NM_001024688.3); short protein forms E379K, E297K.
Identifiers: ClinVar variation 818410 (VCV000818410.4), dbSNP rs1586059630, ClinGen allele CA371656521.